The following is an entry in ClinVar:

NM_000182.5(HADHA):c.560G>C (p.Arg187Thr)

Gene: HADHA (hydroxyacyl-CoA dehydrogenase trifunctional multienzyme complex subunit alpha; minus strand). Cytogenetic location: 2p23.3.
Variant type: single nucleotide variant.
Coding change: c.560G>C on transcript NM_000182.5 (MANE Select); coding-DNA position 560, G replaced by C.
Protein change: p.Arg187Thr; replaces arginine 187 with threonine.
Molecular consequence: missense variant.
Genome position (GRCh38, 1-based): chr2:26,232,173, C>G on the plus strand (G>C on the coding strand, the complement: HADHA is on the minus strand). VCF-style: chr2-26232173-C-G. GRCh37 (hg19) VCF-style: chr2-26455041-C-G.
Other names: p.Arg187Thr; short protein forms R187T.
Identifiers: ClinVar variation 335386 (VCV000335386.15), dbSNP rs146667859, ClinGen allele CA1559863.

ClinVar aggregate classification (germline): Uncertain significance. Review status: criteria provided, multiple submitters, no conflicts (2 of 4 stars). 6 submissions from 5 submitters: Uncertain significance (5). 1 of the submissions does not count toward it. Last evaluated 2024-12-03.

Conditions:
Inborn genetic diseases. Identifiers: MedGen C0950123, MeSH D030342.
Mitochondrial trifunctional protein deficiency. Identifiers: Orphanet 746, MedGen C1969443, MONDO:0012172.
Long chain 3-hydroxyacyl-CoA dehydrogenase deficiency. Also called: Deficiency of long-chain 3-hydroxyacyl-coenzyme A dehydrogenase; LCHAD Deficiency. Identifiers: Orphanet 5, MedGen C3711645, MONDO:0012173, OMIM 609016.

Allele frequency attached by ClinVar (database versions not stated): gnomAD 0.00002; TOPMed 0.00003; ESP Exome Variant Server 0.00008.
gnomAD v4.1: 34 of 1,611,148 alleles (0.0021%); highest among the groups gnomAD compares: Non-Finnish European, 0.00068%; no homozygotes.

Submissions (6):

Ambry Genetics
Classification: Uncertain significance for Inborn genetic diseases. Last evaluated: 2024-12-03. Review status: criteria provided, single submitter. Criteria: Ambry Variant Classification Scheme 2023. Collection method: clinical testing. Allele origin: germline.

Labcorp Genetics (formerly Invitae), Labcorp
Classification: Uncertain significance for Mitochondrial trifunctional protein deficiency; Long chain 3-hydroxyacyl-CoA dehydrogenase deficiency. Last evaluated: 2022-01-15. Review status: criteria provided, single submitter. Criteria: Invitae Variant Classification Sherloc (09022015). Collection method: clinical testing. Allele origin: germline.
Comment: This sequence change replaces arginine, which is basic and polar, with threonine, which is neutral and polar, at codon 187 of the HADHA protein (p.Arg187Thr). This variant is present in population databases (rs146667859, gnomAD 0.1%). This variant has not been reported in the literature in individuals affected with HADHA-related conditions. ClinVar contains an entry for this variant (Variation ID: 335386). Algorithms developed to predict the effect of missense changes on protein structure and function are either unavailable or do not agree on the potential impact of this missense change (SIFT: "Deleterious"; PolyPhen-2: "Probably Damaging"; Align-GVGD: "Class C0"). In summary, the available evidence is currently insufficient to determine the role of this variant in disease. Therefore, it has been classified as a Variant of Uncertain Significance.

Mayo Clinic Laboratories, Mayo Clinic
Classification: Uncertain significance. Last evaluated: 2021-04-19. Review status: criteria provided, single submitter. Criteria: ACMG Guidelines, 2015. Collection method: clinical testing. Allele origin: germline.

Illumina Laboratory Services, Illumina
Classification: Uncertain significance for Mitochondrial trifunctional protein deficiency 1. Last evaluated: 2018-01-13. Review status: criteria provided, single submitter. Criteria: ICSL Variant Classification Criteria 13 December 2019. Collection method: clinical testing. Allele origin: germline.

Illumina Laboratory Services, Illumina
Classification: Uncertain significance for Long chain 3-hydroxyacyl-CoA dehydrogenase deficiency. Last evaluated: 2018-01-13. Review status: criteria provided, single submitter. Criteria: ICSL Variant Classification Criteria 13 December 2019. Collection method: clinical testing. Allele origin: germline.

Natera, Inc.
Classification: Uncertain significance for Deficiency of long-chain 3-hydroxyacyl-coenzyme A dehydrogenase. Last evaluated: 2020-02-29. Review status: no assertion criteria provided. Collection method: clinical testing. Allele origin: germline. Not counted in ClinVar's aggregate classification.